The following is an entry in ClinVar:

ClinVar aggregate classification (germline): Likely benign (1 of 4 stars; one submission).

gnomAD v4.1: 5 of 1,411,414 alleles (0.00035%); highest among the groups gnomAD compares: Non-Finnish European, 0.00028%; no homozygotes.

Submission:

GeneDx
Classification: Likely benign. Last evaluated: 2018-04-05. Review status: criteria provided, single submitter. Criteria: GeneDx Variant Classification (06012015). Collection method: clinical testing. Allele origin: germline. Affected: yes.
Comment: This variant is considered likely benign or benign based on one or more of the following criteria: it is a conservative change, it occurs at a poorly conserved position in the protein, it is predicted to be benign by multiple in silico algorithms, and/or has population frequency not consistent with disease.

NM_001330078.2(NRXN1):c.-22C>T

Gene: NRXN1 (neurexin 1; minus strand). Cytogenetic location: 2p16.3.
Variant type: single nucleotide variant.
Coding change: c.-22C>T on transcript NM_001330078.2 (MANE Select); 22 bases upstream of the start codon, C replaced by T.
Molecular consequence: 5 prime UTR variant.
Genome position (GRCh38, 1-based): chr2:51,028,295, G>A on the plus strand (C>T on the coding strand, the complement: NRXN1 is on the minus strand). VCF-style: chr2-51028295-G-A. GRCh37 (hg19) VCF-style: chr2-51255433-G-A.
Other names: c.-22C>T (NM_001135659.3, NM_001330077.2, NM_001330079.2 and 15 more transcripts).
Identifiers: ClinVar variation 681548 (VCV000681548.1), dbSNP rs1057520336, ClinGen allele CA915943906.
Genomic context (GRCh38, chr2:51,028,295, plus strand): 5'-AAGAAAACAGCCCCCGCGCTGGAGCAGCGCCGTCCCCATGCTCGGGGCTGGGGTGCGGCG[G>A]GGGGGTGCCGGGGCCGACAGGGTCAAAATGGTCCTGGACACCGTGACGAAGAAATAAGGG-3'